The following is an entry in ClinVar:

ClinVar aggregate classification (germline): Pathogenic (1 of 4 stars; one submission).

Conditions:
Primary ciliary dyskinesia. Also called: Ciliary dyskinesia. Identifiers: Orphanet 244, MedGen C0008780, MONDO:0016575, HP:0012265.

Submission:

Labcorp Genetics (formerly Invitae), Labcorp
Classification: Pathogenic for Primary ciliary dyskinesia. Last evaluated: 2022-08-31. Review status: criteria provided, single submitter. Criteria: Invitae Variant Classification Sherloc (09022015). Collection method: clinical testing. Allele origin: germline.
Comment: This variant has not been reported in the literature in individuals affected with DRC1-related conditions. This variant is a gross deletion of the genomic region encompassing exon(s) 9-10 of the DRC1 gene. This deletion is out-of-frame, and is expected to create a premature termination codon and result in an absent or disrupted protein product. Loss-of-function variants in DRC1 are known to be pathogenic (PMID: 23354437, 31960620). For these reasons, this variant has been classified as Pathogenic.

Literature cited by the submitters: PubMed 23354437; PubMed 31960620.

NC_000002.11:g.(?_26667070)_(26667836_?)del

Gene: DRC1 (dynein regulatory complex subunit 1; plus strand). Cytogenetic location: 2p23.3.
Variant type: Deletion.
Identifiers: ClinVar variation 2427325 (VCV002427325.12).